The following is an entry in ClinVar:

NM_000553.6(WRN):c.4284A>G (p.Gly1428=)

Genes: WRN (WRN RecQ like helicase; plus strand), LOC126860342 (MED14-independent group 3 enhancer GRCh37_chr8:31029565-31030764; plus strand). Cytogenetic location: 8p12.
Variant type: single nucleotide variant.
Coding change: c.4284A>G on transcript NM_000553.6 (MANE Select); coding-DNA position 4284, A replaced by G.
Protein change: p.Gly1428=; no amino-acid change (glycine 1428 retained).
Molecular consequence: synonymous variant.
Genome position (GRCh38, 1-based): chr8:31,173,087, A>G. VCF-style: chr8-31173087-A-G. GRCh37 (hg19) VCF-style: chr8-31030603-A-G.
Identifiers: ClinVar variation 1929529 (VCV001929529.29), dbSNP rs2130530553, ClinGen allele CA460228423.

ClinVar aggregate classification (germline): Likely benign. Review status: criteria provided, multiple submitters, no conflicts (2 of 4 stars). 2 submissions from 2 submitters: Likely benign (2). Last evaluated 2023-07-01.

Conditions:
Werner syndrome (WRN). Identifiers: Orphanet 902, MedGen C0043119, MONDO:0010196, OMIM 277700.

Submissions (2):

CeGaT Center for Human Genetics Tuebingen
Classification: Likely benign. Last evaluated: 2023-07-01. Review status: criteria provided, single submitter. Criteria: CeGaT Center For Human Genetics Tuebingen Variant Classification Criteria Version 2. Collection method: clinical testing. Allele origin: germline. Affected: yes. Observed: 1 variant allele.
Comment: WRN: PM2:Supporting, BP4, BP7

Labcorp Genetics (formerly Invitae), Labcorp
Classification: Likely benign for Werner syndrome. Last evaluated: 2022-06-22. Review status: criteria provided, single submitter. Criteria: Invitae Variant Classification Sherloc (09022015). Collection method: clinical testing. Allele origin: germline.